The following is an entry in ClinVar:

ClinVar aggregate classification (germline): Likely pathogenic (1 of 4 stars; one submission).

Conditions:
Cystic fibrosis (CF). Also called: MUCOVISCIDOSIS. Identifiers: Orphanet 586, MedGen C0010674, MONDO:0009061, OMIM 219700. Disease mechanism: loss of function.

Submission:

Labcorp Genetics (formerly Invitae), Labcorp
Classification: Likely pathogenic for Cystic fibrosis. Last evaluated: 2024-11-30. Review status: criteria provided, single submitter. Criteria: Invitae Variant Classification Sherloc (09022015). Collection method: clinical testing. Allele origin: germline.
Comment: This sequence change affects an acceptor splice site in intron 14 of the CFTR gene. It is expected to disrupt RNA splicing. Variants that disrupt the donor or acceptor splice site typically lead to a loss of protein function (PMID: 16199547), and loss-of-function variants in CFTR are known to be pathogenic (PMID: 1695717, 7691345, 9725922). This variant is not present in population databases (gnomAD no frequency). This variant has not been reported in the literature in individuals affected with CFTR-related conditions. Algorithms developed to predict the effect of sequence changes on RNA splicing suggest that this variant may disrupt the consensus splice site. In summary, the currently available evidence indicates that the variant is pathogenic, but additional data are needed to prove that conclusively. Therefore, this variant has been classified as Likely Pathogenic.

Literature cited by the submitters: PubMed 16199547; PubMed 1695717; PubMed 7691345; PubMed 9725922.

NM_000492.4(CFTR):c.2491-1G>T

Gene: CFTR (CF transmembrane conductance regulator; plus strand). Cytogenetic location: 7q31.2.
Variant type: single nucleotide variant.
Coding change: c.2491-1G>T on transcript NM_000492.4 (MANE Select); the canonical splice acceptor site of the intron before coding-DNA position 2491, G replaced by T.
Molecular consequence: splice acceptor variant.
Genome position (GRCh38, 1-based): chr7:117,594,929, G>T. VCF-style: chr7-117594929-G-T. GRCh37 (hg19) VCF-style: chr7-117234983-G-T.
Identifiers: ClinVar variation 3726416 (VCV003726416.2).
Genomic context (GRCh38, chr7:117,594,929, plus strand): 5'-ACCACAATGGTGGCATGAAACTGTACTGTCTTATTGTAATAGCCATAATTCTTTTATTCA[G>T]GAGTGCTTTTTTGATGATATGGAGAGCATACCAGCAGTGACTACATGGAACACATACCTT-3'